The following is an entry in ClinVar:

ClinVar aggregate classification (germline): Uncertain significance (1 of 4 stars; one submission).

Conditions:
Spondyloepiphyseal dysplasia, Stanescu type. Also called: SED, STANESCU TYPE; SPONDYLOEPIMETAPHYSEAL DYSPLASIA, STANESCU TYPE. Identifiers: Orphanet 459051, MedGen C4225273, MONDO:0014701, OMIM 616583.

Submission:

Neuberg Centre For Genomic Medicine, NCGM
Classification: Uncertain significance for Spondyloepiphyseal dysplasia, Stanescu type. Last evaluated: 2023-06-22. Review status: criteria provided, single submitter. Criteria: ACMG Guidelines, 2015. Collection method: clinical testing. Allele origin: germline. Inheritance: Autosomal dominant inheritance. Affected: yes.
Comment: The observed inframe deletion variant c.2555_2557del(p.Gly852del) in COL2A1 gene has not been reported previously as a pathogenic variant nor as a benign variant, to our knowledge. The (p.Gly852del) variant is absent in gnomAD Exomes. This p.Gly852del causes deletion of amino acid Glycine at position 852. For these reasons, this variant has been classified as Uncertain Significance.

NM_001844.5(COL2A1):c.2555_2557del (p.Gly852del)

Gene: COL2A1 (collagen type II alpha 1 chain; minus strand). Cytogenetic location: 12q13.11.
Variant type: Deletion.
Coding change: c.2555_2557del on transcript NM_001844.5 (MANE Select); coding-DNA positions 2555 to 2557, 3 bases deleted (GAG; older notation c.2555_2557delGAG).
Protein change: p.Gly852del; deletes glycine 852.
Genome position (GRCh38, 1-based): chr12:47,980,622-47,980,624, CTC deleted on the plus strand (GAG on the coding strand, the reverse complement: COL2A1 is on the minus strand); deleting any 3 consecutive bases within chr12:47,980,622-47,980,626 gives the same sequence; the c. name uses the placement nearest the transcript's 3' end. VCF-style (leftmost placement, unchanged base first): chr12-47980621-TCTC-T. GRCh37 (hg19) VCF-style: chr12-48374404-TCTC-T.
Other names: c.2348_2350del, p.Gly783del (NM_033150.3); short protein forms G783del, G852del.
Identifiers: ClinVar variation 3377643 (VCV003377643.1).
Genomic context (GRCh38, chr12:47,980,621, plus strand): 5'-CCAGGTGCTCCAGAGGGGCCCTGAGGACCAGGGGCACCAGCATCGCCTTTCTGGCCGGCC[TCTC>T]CTTGCTCACCCTTGGCCCCAGGCTGGCCATCAGCACCCTATAATGGGAAGGAGGAAGCAG-3'